The following is an entry in ClinVar:

NM_001379081.2(FREM1):c.-12G>C

Gene: FREM1 (FRAS1 related extracellular matrix 1; minus strand). Cytogenetic location: 9p22.3.
Variant type: single nucleotide variant.
Coding change: c.-12G>C on transcript NM_001379081.2 (MANE Select); 12 bases upstream of the start codon, G replaced by C.
Molecular consequence: 5 prime UTR variant. On other transcripts: non-coding transcript variant (4).
Genome position (GRCh38, 1-based): chr9:14,868,989, C>G on the plus strand (G>C on the coding strand, the complement: FREM1 is on the minus strand). VCF-style: chr9-14868989-C-G. GRCh37 (hg19) VCF-style: chr9-14868987-C-G.
Other names: c.-12G>C (NM_001370060.1, NM_001370063.1, NM_001370065.1 and 1 more transcripts).
Identifiers: ClinVar variation 914852 (VCV000914852.5), dbSNP rs375233918, ClinGen allele CA189371622.
Genomic context (GRCh38, chr9:14,868,989, plus strand): 5'-GGAGCAGCAGCAGCACGGCATTCGCAGCCCCCCAACTCAGAGAGTTCATGCTGACAGGGC[C>G]CAACTCTTCTCTGTCCACCGGCGAAATCCCTTTAACAAAGGAGGGCTTCTGTGCTTCCTC-3'

ClinVar aggregate classification (germline): Conflicting classifications of pathogenicity. Review status: criteria provided, conflicting classifications (1 of 4 stars). 2 submissions from 2 submitters: Uncertain significance (1); Likely benign (1). Last evaluated 2024-09-20.

Conditions:
BNAR syndrome. Also called: Bifid Nose With or Without Anorectal and Renal Anomalies (BNAR) Syndrome. Identifiers: Orphanet 217266, MedGen C2750433, MONDO:0012165, OMIM 608980.
Oculotrichoanal syndrome (MOTA). Also called: MARLES SYNDROME; Manitoba Oculotrichoanal (MOTA) Syndrome. Identifiers: Orphanet 2717, MedGen C1855425, MONDO:0009560, OMIM 248450.

Allele frequency attached by ClinVar (database versions not stated): gnomAD exomes 0.00001; TOPMed below 0.00001; gnomAD 0.00001.
gnomAD v4.1: 9 of 1,531,946 alleles (0.00059%); highest among the groups gnomAD compares: East Asian, 0.0024%; no homozygotes.

Submissions (2):

3billion
Classification: Likely benign for Oculotrichoanal syndrome; BNAR syndrome. Last evaluated: 2024-09-20. Review status: criteria provided, single submitter. Criteria: ACMG Guidelines, 2015. Collection method: clinical testing. Allele origin: germline. Affected: no.
Comment: The homozygous variant was found in patients diagnosed with another variant in a different gene, with no symptoms related to the gene containing the homozygous variant.

Illumina Laboratory Services, Illumina
Classification: Uncertain significance for Oculotrichoanal syndrome. Last evaluated: 2018-01-13. Review status: criteria provided, single submitter. Criteria: ICSL Variant Classification Criteria 13 December 2019. Collection method: clinical testing. Allele origin: germline.